The following is an entry in ClinVar:

ClinVar aggregate classification (germline): Uncertain significance (1 of 4 stars; one submission).

Submission:

CeGaT Center for Human Genetics Tuebingen
Classification: Uncertain significance. Last evaluated: 2023-02-01. Review status: criteria provided, single submitter. Criteria: CeGaT Center For Human Genetics Tuebingen Variant Classification Criteria Version 2. Collection method: clinical testing. Allele origin: germline. Affected: yes. Observed: 1 variant allele.
Comment: GMEB1: PM2

NM_001319674.2(GMEB1):c.1333G>C (p.Ala445Pro)

Gene: GMEB1 (glucocorticoid modulatory element binding protein 1; plus strand). Cytogenetic location: 1p35.3.
Variant type: single nucleotide variant.
Coding change: c.1333G>C on transcript NM_001319674.2 (MANE Select); coding-DNA position 1333, G replaced by C.
Protein change: p.Ala445Pro; replaces alanine 445 with proline.
Molecular consequence: missense variant.
Genome position (GRCh38, 1-based): chr1:28,714,414, G>C. VCF-style: chr1-28714414-G-C. GRCh37 (hg19) VCF-style: chr1-29040926-G-C.
Other names: c.1363G>C, p.Ala455Pro (NM_006582.4); c.1333G>C, p.Ala445Pro (NM_024482.3); short protein forms A445P, A455P.
Identifiers: ClinVar variation 2638581 (VCV002638581.24), dbSNP rs2545308455, ClinGen allele CA339517203.